The following is an entry in ClinVar:

ClinVar aggregate classification (germline): Likely benign (1 of 4 stars; one submission).

Conditions:
ADCY3-related disorder. Also called: ADCY3-related condition.

Submission:

PreventionGenetics, part of Exact Sciences
Classification: Likely benign for ADCY3-related condition. Last evaluated: 2024-10-18. Review status: criteria provided, single submitter. Criteria: ACMG Guidelines, 2015. Collection method: clinical testing. Allele origin: germline.
Comment: This variant is classified as likely benign based on ACMG/AMP sequence variant interpretation guidelines (Richards et al. 2015 PMID: 25741868, with internal and published modifications).

NM_004036.5(ADCY3):c.3102C>A (p.Ser1034=)

Genes: ADCY3 (adenylate cyclase 3; minus strand), CENPO (centromere protein O; plus strand). Cytogenetic location: 2p23.3.
Variant type: single nucleotide variant.
Coding change: c.3102C>A on transcript NM_004036.5 (MANE Select); coding-DNA position 3102, C replaced by A.
Protein change: p.Ser1034=; no amino-acid change (serine 1034 retained).
Molecular consequence: synonymous variant. On other transcripts: 3 prime UTR variant (3), non-coding transcript variant (3).
Genome position (GRCh38, 1-based): chr2:24,821,542, G>T on the plus strand (C>A on the coding strand, the complement: ADCY3 is on the minus strand). VCF-style: chr2-24821542-G-T. GRCh37 (hg19) VCF-style: chr2-25044411-G-T.
Other names: c.3105C>A, p.Ser1035= (NM_001320613.2); c.3168C>A, p.Ser1056= (NM_001377128.1); c.2964C>A, p.Ser988= (NM_001377129.1); c.2550C>A, p.Ser850= (NM_001377130.1); c.2379C>A, p.Ser793= (NM_001377131.1); c.3102C>A, p.Ser1034= (NM_001377132.1); c.*2224G>T (NM_001199803.3, NM_001322101.2, NM_024322.4).
Identifiers: ClinVar variation 4999139 (VCV004999139.1).
Genomic context (GRCh38, chr2:24,821,542, plus strand): 5'-GCCTGCTGCGGGGCAGGCCAGCTGGGGGTGCTCACCTATGCGCAGCATGAAGTTATTGAA[G>T]GACTGGTTGTTGATGTTGGTGAGCGTATCCTTCATGGCCAGCGCGAAGTCGGCCAGGTCA-3'
Protein context (NP_004027.2, residues 1024-1044): KDTLTNINNQ[Ser1034=]FNNFMLRIGM